The following is an entry in ClinVar:

NM_012233.3(RAB3GAP1):c.124A>G (p.Asn42Asp)

Gene: RAB3GAP1 (RAB3 GTPase activating protein catalytic subunit 1; plus strand). Cytogenetic location: 2q21.3.
Variant type: single nucleotide variant.
Coding change: c.124A>G on transcript NM_012233.3 (MANE Select); coding-DNA position 124, A replaced by G.
Protein change: p.Asn42Asp; replaces asparagine 42 with aspartic acid.
Molecular consequence: missense variant.
Genome position (GRCh38, 1-based): chr2:135,058,060, A>G. VCF-style: chr2-135058060-A-G. GRCh37 (hg19) VCF-style: chr2-135815630-A-G.
Other names: c.124A>G, p.Asn42Asp (NM_001172435.2); short protein forms N42D.
Identifiers: ClinVar variation 2054320 (VCV002054320.5), dbSNP rs372830337, ClinGen allele CA1884424.
Genomic context (GRCh38, chr2:135,058,060, plus strand): 5'-CTACTTCCTAGGTTTATTTCCAAAGTTGAAGAAGTCTTGAATGACTGGAAACTGATTGGA[A>G]ACTCTTTGGGAAAGCCACTCGAAAAGGTCAGATCTATTTGCTGGTGTCTCTAAATGACTA-3'
Protein context (NP_036365.1, residues 32-52): EVLNDWKLIG[Asn42Asp]SLGKPLEKGI

ClinVar aggregate classification (germline): Uncertain significance. Review status: criteria provided, multiple submitters, no conflicts (2 of 4 stars). 2 submissions from 2 submitters: Uncertain significance (2). Last evaluated 2024-01-08.

Conditions:
Inborn genetic diseases. Identifiers: MedGen C0950123, MeSH D030342.

Allele frequency attached by ClinVar (database versions not stated): gnomAD exomes 0.00001; gnomAD 0.00001; TOPMed 0.00001; ExAC 0.00004; ESP Exome Variant Server 0.00008.
gnomAD v4.1: 15 of 1,612,830 alleles (0.00093%); highest among the groups gnomAD compares: Non-Finnish European, 0.0013%; no homozygotes.

Submissions (2):

Labcorp Genetics (formerly Invitae), Labcorp
Classification: Uncertain significance. Last evaluated: 2024-01-08. Review status: criteria provided, single submitter. Criteria: Invitae Variant Classification Sherloc (09022015). Collection method: clinical testing. Allele origin: germline.
Comment: This sequence change replaces asparagine, which is neutral and polar, with aspartic acid, which is acidic and polar, at codon 42 of the RAB3GAP1 protein (p.Asn42Asp). This variant is present in population databases (rs372830337, gnomAD 0.005%). This variant has not been reported in the literature in individuals affected with RAB3GAP1-related conditions. ClinVar contains an entry for this variant (Variation ID: 2054320). Advanced modeling of protein sequence and biophysical properties (such as structural, functional, and spatial information, amino acid conservation, physicochemical variation, residue mobility, and thermodynamic stability) performed at Invitae indicates that this missense variant is not expected to disrupt RAB3GAP1 protein function with a negative predictive value of 80%. In summary, the available evidence is currently insufficient to determine the role of this variant in disease. Therefore, it has been classified as a Variant of Uncertain Significance.

Ambry Genetics
Classification: Uncertain significance for Inborn genetic diseases. Last evaluated: 2022-01-10. Review status: criteria provided, single submitter. Criteria: Ambry Variant Classification Scheme 2023. Collection method: clinical testing. Allele origin: germline.